The following is an entry in ClinVar:

ClinVar aggregate classification (germline): Likely benign (0 of 4 stars; one submission).

Conditions:
PDX1-related disorder. Also called: PDX1-related disorders; PDX1-related condition.

Submission:

PreventionGenetics, part of Exact Sciences
Classification: Likely benign for PDX1-related condition. Last evaluated: 2019-04-15. Review status: no assertion criteria provided. Collection method: clinical testing. Allele origin: germline.
Comment: This variant is classified as likely benign based on ACMG/AMP sequence variant interpretation guidelines (Richards et al. 2015 PMID: 25741868, with internal and published modifications).

NM_000209.4(PDX1):c.165C>T (p.Gly55=)

Gene: PDX1 (pancreatic and duodenal homeobox 1; plus strand). Cytogenetic location: 13q12.2.
Variant type: single nucleotide variant.
Coding change: c.165C>T on transcript NM_000209.4 (MANE Select); coding-DNA position 165, C replaced by T.
Protein change: p.Gly55=; no amino-acid change (glycine 55 retained).
Molecular consequence: synonymous variant.
Genome position (GRCh38, 1-based): chr13:27,920,303, C>T. VCF-style: chr13-27920303-C-T. GRCh37 (hg19) VCF-style: chr13-28494440-C-T.
Identifiers: ClinVar variation 3058041 (VCV003058041.2), dbSNP rs530567443, ClinGen allele CA483175701.